The following is an entry in ClinVar:

ClinVar aggregate classification (germline): Uncertain significance (1 of 4 stars; one submission).

Submission:

Ambry Genetics
Classification: Uncertain significance. Last evaluated: 2025-08-15. Review status: criteria provided, single submitter. Criteria: Ambry Variant Classification Scheme 2023. Collection method: clinical testing. Allele origin: germline.
Comment: The p.A1224G variant (also known as c.3671C>G), located in coding exon 15 of the WNK2 gene, results from a C to G substitution at nucleotide position 3671. The alanine at codon 1224 is replaced by glycine, an amino acid with similar properties. This amino acid position is conserved. In addition, the in silico prediction for this alteration is inconclusive. Based on the available evidence, the clinical significance of this variant remains unclear.

NM_006648.4(WNK2):c.3671C>G (p.Ala1224Gly)

Gene: WNK2 (WNK lysine deficient protein kinase 2; plus strand). Cytogenetic location: 9q22.31.
Variant type: single nucleotide variant.
Coding change: c.3671C>G on transcript NM_006648.4 (MANE Select); coding-DNA position 3671, C replaced by G.
Protein change: p.Ala1224Gly; replaces alanine 1224 with glycine.
Molecular consequence: missense variant.
Genome position (GRCh38, 1-based): chr9:93,264,008, C>G. VCF-style: chr9-93264008-C-G. GRCh37 (hg19) VCF-style: chr9-96026290-C-G.
Other names: c.3671C>G, p.Ala1224Gly (NM_001282394.3); short protein forms A1224G.
Identifiers: ClinVar variation 4201760 (VCV004201760.1).